The following is an entry in ClinVar:

ClinVar aggregate classification (germline): Conflicting classifications of pathogenicity. Review status: criteria provided, conflicting classifications (1 of 4 stars). 2 submissions from 2 submitters: Likely pathogenic (1); Uncertain significance (1). Last evaluated 2026-02-14.

Conditions:
Inborn genetic diseases. Identifiers: MedGen C0950123, MeSH D030342.

Allele frequency attached by ClinVar (database versions not stated): ExAC 0.00002; gnomAD 0.00002; gnomAD exomes 0.00002; TOPMed 0.00004.
gnomAD v4.1: 19 of 1,610,530 alleles (0.0012%); highest among the groups gnomAD compares: Non-Finnish European, 0.0014%; no homozygotes.

Submissions (3):

GeneDx
Classification: Likely pathogenic. Last evaluated: 2026-02-14. Review status: criteria provided, single submitter. Criteria: GeneDx Variant Classification Process June 2021. Collection method: clinical testing. Allele origin: germline.
Comment: In silico analysis supports that this missense variant has a deleterious effect on protein structure/function; Has not been previously published as pathogenic or benign to our knowledge

Ambry Genetics
Classification: Uncertain significance for Inborn genetic diseases. Last evaluated: 2023-06-06. Review status: criteria provided, single submitter. Criteria: Ambry Variant Classification Scheme 2023. Collection method: clinical testing. Allele origin: germline.

Dr. Peter K. Rogan Lab, Western University
No classification provided (evidence only). Condition: Acute myeloid leukemia. Review status: no classification provided. Collection method: in vitro. Allele origin: not applicable. Functional consequence: retained intron. Not counted in ClinVar's aggregate classification.

NM_001170535.3(ATAD3A):c.1338G>T (p.Lys446Asn)

Gene: ATAD3A (ATPase family AAA domain containing 3A; plus strand). Cytogenetic location: 1p36.33.
Variant type: single nucleotide variant.
Coding change: c.1338G>T on transcript NM_001170535.3 (MANE Select); coding-DNA position 1338, G replaced by T.
Protein change: p.Lys446Asn; replaces lysine 446 with asparagine.
Molecular consequence: missense variant.
Genome position (GRCh38, 1-based): chr1:1,527,695, G>T. VCF-style: chr1-1527695-G-T. GRCh37 (hg19) VCF-style: chr1-1463075-G-T.
Other names: NC_000001.10:g.1463075G>T; c.1482G>T (NM_018188.3); c.1101G>T, p.Lys367Asn (NM_001170536.3); c.1482G>T, p.Lys494Asn (NM_018188.5); short protein forms K367N, K446N, K494N.
Identifiers: ClinVar variation 1686723 (VCV001686723.6), dbSNP rs767198410, ClinGen allele CA526396.
Genomic context (GRCh38, chr1:1,527,695, plus strand): 5'-TCCCCTTGGTGCAGCTCGGCCGGCAGCCCCAGCATCCTCATCCTCATCCCCGCCCCGCAG[G>T]TTCATGCTGGTCCTGGCCAGCAACCAACCAGAGCAGTTCGACTGGGCCATCAATGACCGC-3'
Protein context (NP_001164006.1, residues 436-456): FLYRTGQHSN[Lys446Asn]FMLVLASNQP